The following is an entry in ClinVar:

ClinVar aggregate classification (germline): Uncertain significance (1 of 4 stars; one submission).

Conditions:
Catecholaminergic polymorphic ventricular tachycardia 1. Also called: RYR2-Related Catecholaminergic Polymorphic Ventricular Tachycardia; VENTRICULAR TACHYCARDIA, STRESS-INDUCED POLYMORPHIC 1; VENTRICULAR TACHYCARDIA, CATECHOLAMINERGIC POLYMORPHIC, 1, WITH OR WITHOUT ATRIAL DYSFUNCTION AND/OR DILATED CARDIOMYOPATHY. Identifiers: Orphanet 3286, MedGen C1631597, MONDO:0011484, OMIM 604772.

Submission:

Labcorp Genetics (formerly Invitae), Labcorp
Classification: Uncertain significance for Catecholaminergic polymorphic ventricular tachycardia 1. Last evaluated: 2023-04-09. Review status: criteria provided, single submitter. Criteria: Invitae Variant Classification Sherloc (09022015). Collection method: clinical testing. Allele origin: germline.
Comment: This sequence change falls in intron 50 of the RYR2 gene. It does not directly change the encoded amino acid sequence of the RYR2 protein. This variant is not present in population databases (gnomAD no frequency). This variant has not been reported in the literature in individuals affected with RYR2-related conditions. Algorithms developed to predict the effect of sequence changes on RNA splicing suggest that this variant may create or strengthen a splice site. In summary, the available evidence is currently insufficient to determine the role of this variant in disease. Therefore, it has been classified as a Variant of Uncertain Significance.

NM_001035.3(RYR2):c.7734-19_7734-16dup

Gene: RYR2 (ryanodine receptor 2; plus strand). Cytogenetic location: 1q43.
Variant type: Duplication.
Coding change: c.7734-19_7734-16dup on transcript NM_001035.3 (MANE Select); 19 bases into the intron before coding-DNA position 7734 through 16 bases into the intron before coding-DNA position 7734, 4 bases duplicated (ATTA; older notation c.7734-19_7734-16dupATTA).
Molecular consequence: intron variant.
Genome position (GRCh38, 1-based): chr1:237,651,392-237,651,395, ATTA duplicated. VCF-style (leftmost placement, unchanged base first): chr1-237651391-C-CATTA. GRCh37 (hg19) VCF-style: chr1-237814691-C-CATTA.
Identifiers: ClinVar variation 2854244 (VCV002854244.3), dbSNP rs2547049072, ClinGen allele CA2739274094.